The following is an entry in ClinVar:

ClinVar aggregate classification (germline): Uncertain significance. Review status: criteria provided, multiple submitters, no conflicts (2 of 4 stars). 2 submissions from 2 submitters: Uncertain significance (2). Last evaluated 2025-05-27.

Conditions:
Cyclical neutropenia. Also called: Cyclic hematopoiesis; Cyclic Neutropenia. Identifiers: Orphanet 2686, MedGen C0221023, MONDO:0008090, OMIM 162800, HP:0040289. Disease mechanism: loss of function.
Neutropenia, severe congenital, 1, autosomal dominant. Identifiers: MedGen C1859966, MONDO:0042490, OMIM 202700.

Allele frequency attached by ClinVar (database versions not stated): gnomAD 0.00001; 1000 Genomes Project 30x 0.00016; 1000 Genomes Project 0.00020.
gnomAD v4.1: 4 of 1,611,084 alleles (0.00025%); highest among the groups gnomAD compares: East Asian, 0.0067%; no homozygotes.

Submissions (2):

Labcorp Genetics (formerly Invitae), Labcorp
Classification: Uncertain significance for Neutropenia, severe congenital, 1, autosomal dominant; Cyclical neutropenia. Last evaluated: 2025-05-27. Review status: criteria provided, single submitter. Criteria: Invitae Variant Classification Sherloc (09022015). Collection method: clinical testing. Allele origin: germline.
Comment: This sequence change replaces alanine, which is neutral and non-polar, with serine, which is neutral and polar, at codon 100 of the ELANE protein (p.Ala100Ser). The frequency data for this variant in the population databases is considered unreliable, as metrics indicate poor data quality at this position in the gnomAD database. This variant has not been reported in the literature in individuals affected with ELANE-related conditions. ClinVar contains an entry for this variant (Variation ID: 2060963). Invitae Evidence Modeling of protein sequence and biophysical properties (such as structural, functional, and spatial information, amino acid conservation, physicochemical variation, residue mobility, and thermodynamic stability) indicates that this missense variant is not expected to disrupt ELANE protein function with a negative predictive value of 95%. In summary, the available evidence is currently insufficient to determine the role of this variant in disease. Therefore, it has been classified as a Variant of Uncertain Significance.

ARUP Laboratories, Molecular Genetics and Genomics, ARUP Laboratories
Classification: Uncertain significance. Last evaluated: 2024-03-21. Review status: criteria provided, single submitter. Criteria: ARUP Molecular Germline Variant Investigation Process 2024. Collection method: clinical testing. Allele origin: germline.
Comment: The ELANE c.298G>T; p.Ala100Ser variant (rs549887145), to our knowledge, is not reported in the medical literature but is reported in ClinVar (Variation ID: 2060963). This variant is observed in the general population with an overall allele frequency of 0.002% (5/237458 alleles) in the Genome Aggregation Database (v2.1.1). Computational analyses are uncertain whether this variant is neutral or deleterious (REVEL: 0.244). Due to limited information, the clinical significance of this variant is uncertain at this time.

NM_001972.4(ELANE):c.298G>T (p.Ala100Ser)

Gene: ELANE (elastase, neutrophil expressed; plus strand). Cytogenetic location: 19p13.3.
Variant type: single nucleotide variant.
Coding change: c.298G>T on transcript NM_001972.4 (MANE Select); coding-DNA position 298, G replaced by T.
Protein change: p.Ala100Ser; replaces alanine 100 with serine.
Molecular consequence: missense variant.
Genome position (GRCh38, 1-based): chr19:853,335, G>T. VCF-style: chr19-853335-G-T. GRCh37 (hg19) VCF-style: chr19-853335-G-T.
Other names: short protein forms A100S.
Identifiers: ClinVar variation 2060963 (VCV002060963.5), dbSNP rs549887145, ClinGen allele CA303943280.